The following is an entry in ClinVar:

NM_002900.3(RBP3):c.1268A>C (p.Gln423Pro)

Gene: RBP3 (retinol binding protein 3; plus strand). Cytogenetic location: 10q11.22.
Variant type: single nucleotide variant.
Coding change: c.1268A>C on transcript NM_002900.3 (MANE Select); coding-DNA position 1268, A replaced by C.
Protein change: p.Gln423Pro; replaces glutamine 423 with proline.
Molecular consequence: missense variant.
Genome position (GRCh38, 1-based): chr10:47,349,752, A>C. VCF-style: chr10-47349752-A-C. GRCh37 (hg19) VCF-style: chr10-48389610-T-G.
Other names: c.1268A>C (NM_002900.2); short protein forms Q423P.
Identifiers: ClinVar variation 2186270 (VCV002186270.6), dbSNP rs2549028455, ClinGen allele CA376669136.

ClinVar aggregate classification (germline): Uncertain significance. Review status: criteria provided, multiple submitters, no conflicts (2 of 4 stars). 3 submissions from 3 submitters: Uncertain significance (3). Last evaluated 2025-09-08.

Conditions:
Inborn genetic diseases. Identifiers: MedGen C0950123, MeSH D030342.

Allele frequency attached by ClinVar (database versions not stated): gnomAD exomes below 0.00001.

Submissions (3):

Labcorp Genetics (formerly Invitae), Labcorp
Classification: Uncertain significance. Last evaluated: 2025-09-08. Review status: criteria provided, single submitter. Criteria: Invitae Variant Classification Sherloc (09022015). Collection method: clinical testing. Allele origin: germline.
Comment: This sequence change replaces glutamine, which is neutral and polar, with proline, which is neutral and non-polar, at codon 423 of the RBP3 protein (p.Gln423Pro). This variant is not present in population databases (gnomAD no frequency). This variant has not been reported in the literature in individuals affected with RBP3-related conditions. ClinVar contains an entry for this variant (Variation ID: 2186270). Invitae Evidence Modeling of protein sequence and biophysical properties (such as structural, functional, and spatial information, amino acid conservation, physicochemical variation, residue mobility, and thermodynamic stability) indicates that this missense variant is not expected to disrupt RBP3 protein function with a negative predictive value of 80%. In summary, the available evidence is currently insufficient to determine the role of this variant in disease. Therefore, it has been classified as a Variant of Uncertain Significance.

Ambry Genetics
Classification: Uncertain significance for Inborn genetic diseases. Last evaluated: 2024-10-25. Review status: criteria provided, single submitter. Criteria: Ambry Variant Classification Scheme 2023. Collection method: clinical testing. Allele origin: germline.

Blueprint Genetics
Classification: Uncertain significance. Last evaluated: 2018-07-23. Review status: criteria provided, single submitter. Criteria: ACMG Guidelines, 2015. Collection method: clinical testing. Allele origin: germline.